The following is an entry in ClinVar:

NM_206933.4(USH2A):c.11881_11882del (p.Leu3961fs)

Gene: USH2A (usherin; minus strand). Cytogenetic location: 1q41.
Variant type: Microsatellite.
Coding change: c.11881_11882del on transcript NM_206933.4 (MANE Select); coding-DNA positions 11881 to 11882, 2 bases deleted (CT; older notation c.11881_11882delCT).
Protein change: p.Leu3961fs; shifts the reading frame from leucine 3961.
Molecular consequence: frameshift variant.
Genome position (GRCh38, 1-based): chr1:215,728,214-215,728,215, AG deleted on the plus strand (CT on the coding strand, the reverse complement: USH2A is on the minus strand); deleting any 2 consecutive bases within chr1:215,728,214-215,728,217 gives the same sequence; the c. name uses the placement nearest the transcript's 3' end. VCF-style (leftmost placement, unchanged base first): chr1-215728213-CAG-C. GRCh37 (hg19) VCF-style: chr1-215901555-CAG-C.
Other names: short protein forms L3961fs.
Identifiers: ClinVar variation 2767007 (VCV002767007.3), dbSNP rs2465049885, ClinGen allele CA2697554901.

ClinVar aggregate classification (germline): Pathogenic (1 of 4 stars; one submission).

Submission:

Labcorp Genetics (formerly Invitae), Labcorp
Classification: Pathogenic. Last evaluated: 2023-10-08. Review status: criteria provided, single submitter. Criteria: Invitae Variant Classification Sherloc (09022015). Collection method: clinical testing. Allele origin: germline.
Comment: This sequence change creates a premature translational stop signal (p.Leu3961Glyfs*51) in the USH2A gene. It is expected to result in an absent or disrupted protein product. Loss-of-function variants in USH2A are known to be pathogenic (PMID: 10729113, 10909849, 20507924, 25649381). This variant is not present in population databases (gnomAD no frequency). This variant has not been reported in the literature in individuals affected with USH2A-related conditions. For these reasons, this variant has been classified as Pathogenic.

Literature cited by the submitters: PubMed 10729113; PubMed 10909849; PubMed 20507924; PubMed 25649381.